The following is an entry in ClinVar:

ClinVar aggregate classification (germline): Benign (1 of 4 stars; one submission).

Allele frequency attached by ClinVar (database versions not stated): TOPMed 0.38601; ESP Exome Variant Server 0.39969; 1000 Genomes Project 30x 0.40053; 1000 Genomes Project 0.40435; ExAC 0.48652.
gnomAD v4.1: 758,990 of 1,549,316 alleles (49%); highest among the groups gnomAD compares: South Asian, 59%; 190,929 homozygotes.

Submission:

Unidad de Genómica Garrahan, Hospital de Pediatría Garrahan
Classification: Benign. Last evaluated: 2024-01-24. Review status: criteria provided, single submitter. Criteria: ACMG Guidelines, 2015. Collection method: clinical testing. Allele origin: germline. Affected: no. Observed: 66 variant alleles.
Comment: This variant is classified as Benign based on local population frequency. This variant was detected in 69% of patients studied by a panel of primary immunodeficiencies. Number of patients: 66. Only high quality variants are reported.

NM_017491.5(WDR1):c.1039+52A>G

Gene: WDR1 (WD repeat domain 1; minus strand). Cytogenetic location: 4p16.1.
Variant type: single nucleotide variant.
Coding change: c.1039+52A>G on transcript NM_017491.5 (MANE Select); 52 bases into the intron after coding-DNA position 1039, A replaced by G.
Molecular consequence: intron variant.
Genome position (GRCh38, 1-based): chr4:10,084,391, T>C on the plus strand (A>G on the coding strand, the complement: WDR1 is on the minus strand). VCF-style: chr4-10084391-T-C. GRCh37 (hg19) VCF-style: chr4-10086015-T-C.
Other names: c.619+52A>G (NM_005112.5).
Identifiers: ClinVar variation 2688025 (VCV002688025.2), dbSNP rs2241474, ClinGen allele CA2857792.